The following is an entry in ClinVar:

ClinVar aggregate classification (germline): Conflicting classifications of pathogenicity. Review status: criteria provided, conflicting classifications (1 of 4 stars). 2 submissions from 2 submitters: Uncertain significance (1); Likely benign (1). Last evaluated 2025-11-25.

Conditions:
Hereditary cancer-predisposing syndrome. Also called: Hereditary neoplastic syndrome; Neoplastic Syndromes, Hereditary; Tumor predisposition; Hereditary Cancer Syndrome. Identifiers: Orphanet 140162, MedGen C0027672, MeSH D009386, MONDO:0015356.
Hereditary breast ovarian cancer syndrome. Also called: Hereditary breast and/or ovarian cancer syndrome; Hereditary breast and ovarian cancer syndrome; Hereditary breast and ovarian cancer; Hereditary breast and ovarian cancer syndrome (HBOC); Breast and ovarian cancer; BRCA1- and BRCA2-Associated Hereditary Breast and Ovarian Cancer. Identifiers: Orphanet 145, MedGen C0677776, MeSH D061325, MONDO:0003582. Disease mechanism: loss of function.

Submissions (2):

Ambry Genetics
Classification: Likely benign for Hereditary cancer-predisposing syndrome. Last evaluated: 2025-11-25. Review status: criteria provided, single submitter. Criteria: Ambry Variant Classification Scheme 2023. Collection method: clinical testing. Allele origin: germline.

Labcorp Genetics (formerly Invitae), Labcorp
Classification: Uncertain significance for Hereditary breast ovarian cancer syndrome. Last evaluated: 2022-02-05. Review status: criteria provided, single submitter. Criteria: Invitae Variant Classification Sherloc (09022015). Collection method: clinical testing. Allele origin: germline.
Comment: In summary, the available evidence is currently insufficient to determine the role of this variant in disease. Therefore, it has been classified as a Variant of Uncertain Significance. Advanced modeling of protein sequence and biophysical properties (such as structural, functional, and spatial information, amino acid conservation, physicochemical variation, residue mobility, and thermodynamic stability) performed at Invitae indicates that this missense variant is not expected to disrupt BRCA2 protein function. This variant has not been reported in the literature in individuals affected with BRCA2-related conditions. This variant is not present in population databases (gnomAD no frequency). This sequence change replaces aspartic acid, which is acidic and polar, with asparagine, which is neutral and polar, at codon 125 of the BRCA2 protein (p.Asp125Asn).

NM_000059.4(BRCA2):c.373G>A (p.Asp125Asn)

Gene: BRCA2 (BRCA2 DNA repair associated; plus strand). Cytogenetic location: 13q13.1.
Variant type: single nucleotide variant.
Coding change: c.373G>A on transcript NM_000059.4 (MANE Select); coding-DNA position 373, G replaced by A.
Protein change: p.Asp125Asn; replaces aspartic acid 125 with asparagine.
Molecular consequence: missense variant.
Genome position (GRCh38, 1-based): chr13:32,325,132, G>A. VCF-style: chr13-32325132-G-A. GRCh37 (hg19) VCF-style: chr13-32899269-G-A.
Other names: c.373G>A, p.Asp125Asn (NM_001406719.1, NM_001406720.1, NM_001406721.1); c.4G>A, p.Asp2Asn (NM_001406722.1); short protein forms D2N, D125N.
Identifiers: ClinVar variation 2093341 (VCV002093341.5), dbSNP rs2137446511, ClinGen allele CA387756638.